The following is an entry in ClinVar:

NM_004177.5(STX3):c.270C>A (p.Asn90Lys)

Gene: STX3 (syntaxin 3; plus strand). Cytogenetic location: 11q12.1.
Variant type: single nucleotide variant.
Coding change: c.270C>A on transcript NM_004177.5 (MANE Select); coding-DNA position 270, C replaced by A.
Protein change: p.Asn90Lys; replaces asparagine 90 with lysine.
Molecular consequence: missense variant.
Genome position (GRCh38, 1-based): chr11:59,788,928, C>A. VCF-style: chr11-59788928-C-A. GRCh37 (hg19) VCF-style: chr11-59556401-C-A.
Other names: c.270C>A, p.Asn90Lys (NM_001178040.3); short protein forms N90K.
Identifiers: ClinVar variation 1444561 (VCV001444561.6), dbSNP rs151157690, ClinGen allele CA6020792.

ClinVar aggregate classification (germline): Uncertain significance. Review status: criteria provided, multiple submitters, no conflicts (2 of 4 stars). 2 submissions from 2 submitters: Uncertain significance (2). Last evaluated 2025-08-07.

Conditions:
Inborn genetic diseases. Identifiers: MedGen C0950123, MeSH D030342.

Allele frequency attached by ClinVar (database versions not stated): ESP Exome Variant Server 0.00008.
gnomAD v4.1: 87 of 1,610,628 alleles (0.0054%); highest among the groups gnomAD compares: Middle Eastern, 0.016%; 1 homozygote.

Submissions (2):

Ambry Genetics
Classification: Uncertain significance for Inborn genetic diseases. Last evaluated: 2025-08-07. Review status: criteria provided, single submitter. Criteria: Ambry Variant Classification Scheme 2023. Collection method: clinical testing. Allele origin: germline.

Labcorp Genetics (formerly Invitae), Labcorp
Classification: Uncertain significance. Last evaluated: 2024-10-16. Review status: criteria provided, single submitter. Criteria: Invitae Variant Classification Sherloc (09022015). Collection method: clinical testing. Allele origin: germline.
Comment: This sequence change replaces asparagine, which is neutral and polar, with lysine, which is basic and polar, at codon 90 of the STX3 protein (p.Asn90Lys). This variant is present in population databases (rs151157690, gnomAD 0.02%). This variant has not been reported in the literature in individuals affected with STX3-related conditions. ClinVar contains an entry for this variant (Variation ID: 1444561). An algorithm developed to predict the effect of missense changes on protein structure and function (PolyPhen-2) suggests that this variant¬†is likely to be tolerated. In summary, the available evidence is currently insufficient to determine the role of this variant in disease. Therefore, it has been classified as a Variant of Uncertain Significance.